The following is an entry in ClinVar:

NM_017934.7(PHIP):c.2169G>A (p.Val723=)

Gene: PHIP (PHIP subunit of CUL4-Ring ligase complex; minus strand). Cytogenetic location: 6q14.1.
Variant type: single nucleotide variant.
Coding change: c.2169G>A on transcript NM_017934.7 (MANE Select); coding-DNA position 2169, G replaced by A.
Protein change: p.Val723=; no amino-acid change (valine 723 retained).
Molecular consequence: synonymous variant.
Genome position (GRCh38, 1-based): chr6:78,997,446, C>T on the plus strand (G>A on the coding strand, the complement: PHIP is on the minus strand). VCF-style: chr6-78997446-C-T. GRCh37 (hg19) VCF-style: chr6-79707163-C-T.
Identifiers: ClinVar variation 5000300 (VCV005000300.1).

ClinVar aggregate classification (germline): Likely benign (1 of 4 stars; one submission).

Conditions:
PHIP-related disorder. Also called: PHIP-related disorders; PHIP-related condition.

gnomAD v4.1: 10 of 1,613,864 alleles (0.00062%); highest among the groups gnomAD compares: Admixed American, 0.0067%; no homozygotes.

Submission:

PreventionGenetics, part of Exact Sciences
Classification: Likely benign for PHIP-related condition. Last evaluated: 2025-10-28. Review status: criteria provided, single submitter. Criteria: ACMG Guidelines, 2015. Collection method: clinical testing. Allele origin: germline.
Comment: This variant is classified as likely benign based on ACMG/AMP sequence variant interpretation guidelines (Richards et al. 2015 PMID: 25741868, with internal and published modifications).